The following is an entry in ClinVar:

ClinVar aggregate classification (germline): Benign/Likely benign. Review status: criteria provided, multiple submitters, no conflicts (2 of 4 stars). 4 submissions from 4 submitters: Benign (2); Likely benign (2). Last evaluated 2026-05-09.

Conditions:
Thyroid dyshormonogenesis 1. Also called: HYPOTHYROIDISM, CONGENITAL, DUE TO DYSHORMONOGENESIS, 1; IODINE ACCUMULATION, TRANSPORT, OR TRAPPING DEFECT; Familial thyroid dyshormonogenesis 1; THYROID HORMONOGENESIS, GENETIC DEFECT IN, 1. Identifiers: Orphanet 95716, MedGen C1848805, MONDO:0020716, OMIM 274400.

Allele frequency attached by ClinVar (database versions not stated): 1000 Genomes Project 0.01318; gnomAD 0.02003 and 0.01991; ExAC 0.02551; ESP Exome Variant Server 0.02114; 1000 Genomes Project 30x 0.01405; gnomAD exomes 0.02868 and 0.02449; TOPMed 0.02098.

Submissions (4):

Women's Health and Genetics/Laboratory Corporation of America, LabCorp
Classification: Benign. Last evaluated: 2026-05-09. Review status: criteria provided, single submitter. Criteria: LabCorp Variant Classification Summary - May 2015. Collection method: clinical testing. Allele origin: germline.

Labcorp Genetics (formerly Invitae), Labcorp
Classification: Benign. Last evaluated: 2026-02-01. Review status: criteria provided, single submitter. Criteria: Invitae Variant Classification Sherloc (09022015). Collection method: clinical testing. Allele origin: germline.

Illumina Laboratory Services, Illumina
Classification: Likely benign for Thyroid dyshormonogenesis 1. Last evaluated: 2018-01-13. Review status: criteria provided, single submitter. Criteria: ICSL Variant Classification Criteria 13 December 2019. Collection method: clinical testing. Allele origin: germline.
Comment: This variant was observed in the ICSL laboratory as part of a predisposition screen in an ostensibly healthy population. It had not been previously curated by ICSL or reported in the Human Gene Mutation Database (HGMD: prior to June 1st, 2018), and was therefore a candidate for classification through an automated scoring system. Utilizing variant allele frequency, disease prevalence and penetrance estimates, and inheritance mode, an automated score was calculated to assess if this variant is too frequent to cause the disease. Based on the score and internal cut-off values, a variant classified as likely benign is not then subjected to further curation. The score for this variant resulted in a classification of likely benign for this disease.

Breakthrough Genomics
Classification: Likely benign. Review status: criteria provided, single submitter. Criteria: ACMG Guidelines, 2015. Collection method: not provided. Allele origin: germline. Inheritance: Autosomal recessive inheritance. Affected: yes.

NM_000453.3(SLC5A5):c.1626C>T (p.Cys542=)

Gene: SLC5A5 (solute carrier family 5 member 5; plus strand). Cytogenetic location: 19p13.11.
Variant type: single nucleotide variant.
Coding change: c.1626C>T on transcript NM_000453.3 (MANE Select); coding-DNA position 1626, C replaced by T.
Protein change: p.Cys542=; no amino-acid change (cysteine 542 retained).
Molecular consequence: synonymous variant.
Genome position (GRCh38, 1-based): chr19:17,888,430, C>T. VCF-style: chr19-17888430-C-T. GRCh37 (hg19) VCF-style: chr19-17999239-C-T.
Identifiers: ClinVar variation 328542 (VCV000328542.10), dbSNP rs45602038, ClinGen allele CA9303240.
Genomic context (GRCh38, chr19:17,888,430, plus strand): 5'-CTTCTATGCCATCTCCTATCTCTATTACGGTGCCCTGGGCACGCTGACCACTGTGCTGTG[C>T]GGAGCCCTCATCAGCTGCCTGACAGGTAGGTAAACAGAGCATGTGGCCTCAGAGGTCATC-3'
Protein context (NP_000444.1, residues 532-552): GALGTLTTVL[Cys542=]GALISCLTGP